The following is an entry in ClinVar:

NM_006348.5(COG5):c.907A>G (p.Met303Val)

Gene: COG5 (component of oligomeric golgi complex 5; minus strand). Cytogenetic location: 7q22.3.
Variant type: single nucleotide variant.
Coding change: c.907A>G on transcript NM_006348.5 (MANE Select); coding-DNA position 907, A replaced by G.
Protein change: p.Met303Val; replaces methionine 303 with valine.
Molecular consequence: missense variant. On other transcripts: intron variant (2).
Genome position (GRCh38, 1-based): chr7:107,362,349, T>C on the plus strand (A>G on the coding strand, the complement: COG5 is on the minus strand). VCF-style: chr7-107362349-T-C. GRCh37 (hg19) VCF-style: chr7-107002794-T-C.
Other names: c.907A>G, p.Met303Val (NM_001161520.2, NM_001379511.1, NM_001379512.1 and 3 more transcripts); c.235-239A>G (NM_001379516.1); c.539-64003A>G (NM_001379515.1); short protein forms M334V, M303V.
Identifiers: ClinVar variation 655774 (VCV000655774.5), dbSNP rs1001137054, ClinGen allele CA164702883.

ClinVar aggregate classification (germline): Uncertain significance. Review status: criteria provided, multiple submitters, no conflicts (2 of 4 stars). 2 submissions from 2 submitters: Uncertain significance (2). Last evaluated 2025-04-20.

Conditions:
Inborn genetic diseases. Identifiers: MedGen C0950123, MeSH D030342.
COG5-congenital disorder of glycosylation. Also called: CDG IIi; COG5-CDG; CONGENITAL DISORDER OF GLYCOSYLATION, TYPE IIi. Identifiers: Orphanet 263487, MedGen C3150876, MONDO:0013325, OMIM 613612.

Allele frequency attached by ClinVar (database versions not stated): gnomAD 0.00004 and 0.00003; TOPMed 0.00003; gnomAD exomes below 0.00001.
gnomAD v4.1: 12 of 1,613,470 alleles (0.00074%); highest among the groups gnomAD compares: Admixed American, 0.01%; no homozygotes.

Submissions (2):

Ambry Genetics
Classification: Uncertain significance for Inborn genetic diseases. Last evaluated: 2025-04-20. Review status: criteria provided, single submitter. Criteria: Ambry Variant Classification Scheme 2023. Collection method: clinical testing. Allele origin: germline.

Labcorp Genetics (formerly Invitae), Labcorp
Classification: Uncertain significance for COG5-congenital disorder of glycosylation. Last evaluated: 2022-07-14. Review status: criteria provided, single submitter. Criteria: Invitae Variant Classification Sherloc (09022015). Collection method: clinical testing. Allele origin: germline.
Comment: This sequence change replaces methionine, which is neutral and non-polar, with valine, which is neutral and non-polar, at codon 334 of the COG5 protein (p.Met334Val). This variant is not present in population databases (gnomAD no frequency). This variant has not been reported in the literature in individuals affected with COG5-related conditions. ClinVar contains an entry for this variant (Variation ID: 655774). Algorithms developed to predict the effect of missense changes on protein structure and function (SIFT, PolyPhen-2, Align-GVGD) all suggest that this variant is likely to be tolerated. In summary, the available evidence is currently insufficient to determine the role of this variant in disease. Therefore, it has been classified as a Variant of Uncertain Significance.